The following is an entry in ClinVar:

ClinVar aggregate classification (germline): Uncertain significance (1 of 4 stars; one submission).

Allele frequency attached by ClinVar (database versions not stated): gnomAD exomes 0.00001.
gnomAD v4.1: 7 of 1,613,804 alleles (0.00043%); no homozygotes.

Submission:

Labcorp Genetics (formerly Invitae), Labcorp
Classification: Uncertain significance. Last evaluated: 2024-01-02. Review status: criteria provided, single submitter. Criteria: Invitae Variant Classification Sherloc (09022015). Collection method: clinical testing. Allele origin: germline.
Comment: This sequence change replaces asparagine, which is neutral and polar, with tyrosine, which is neutral and polar, at codon 480 of the LBR protein (p.Asn480Tyr). This variant is present in population databases (no rsID available, gnomAD 0.009%). This variant has not been reported in the literature in individuals affected with LBR-related conditions. ClinVar contains an entry for this variant (Variation ID: 1047704). Advanced modeling of protein sequence and biophysical properties (such as structural, functional, and spatial information, amino acid conservation, physicochemical variation, residue mobility, and thermodynamic stability) performed at Invitae indicates that this missense variant is not expected to disrupt LBR protein function with a negative predictive value of 80%. In summary, the available evidence is currently insufficient to determine the role of this variant in disease. Therefore, it has been classified as a Variant of Uncertain Significance.

NM_002296.4(LBR):c.1438A>T (p.Asn480Tyr)

Gene: LBR (lamin B receptor; minus strand). Cytogenetic location: 1q42.12.
Variant type: single nucleotide variant.
Coding change: c.1438A>T on transcript NM_002296.4 (MANE Select); coding-DNA position 1438, A replaced by T.
Protein change: p.Asn480Tyr; replaces asparagine 480 with tyrosine.
Molecular consequence: missense variant.
Genome position (GRCh38, 1-based): chr1:225,406,709, T>A on the plus strand (A>T on the coding strand, the complement: LBR is on the minus strand). VCF-style: chr1-225406709-T-A. GRCh37 (hg19) VCF-style: chr1-225594411-T-A.
Other names: c.1438A>T, p.Asn480Tyr (NM_194442.3); short protein forms N480Y.
Identifiers: ClinVar variation 1047704 (VCV001047704.9), dbSNP rs1376867105, ClinGen allele CA344994118.